The following is an entry in ClinVar:

NM_007194.4(CHEK2):c.1043T>C (p.Leu348Ser)

Gene: CHEK2 (checkpoint kinase 2; minus strand). Cytogenetic location: 22q12.1.
Variant type: single nucleotide variant.
Coding change: c.1043T>C on transcript NM_007194.4 (MANE Select); coding-DNA position 1043, T replaced by C.
Protein change: p.Leu348Ser; replaces leucine 348 with serine.
Molecular consequence: missense variant. On other transcripts: intron variant (3).
Genome position (GRCh38, 1-based): chr22:28,696,953, A>G on the plus strand (T>C on the coding strand, the complement: CHEK2 is on the minus strand). VCF-style: chr22-28696953-A-G. GRCh37 (hg19) VCF-style: chr22-29092941-A-G.
Other names: c.1172T>C, p.Leu391Ser (NM_001005735.3); c.380T>C, p.Leu127Ser (NM_001257387.3, NM_001437942.1); c.842T>C, p.Leu281Ser (NM_001349956.3); c.1136T>C, p.Leu379Ser (NM_001438293.1); c.1009-1080T>C (NM_145862.3); c.1102-1080T>C (NM_001438295.1); c.1138-1080T>C (NM_001438294.1); short protein forms L348S, L127S, L391S, L281S, L379S.
Identifiers: ClinVar variation 240726 (VCV000240726.16), dbSNP rs878854908, ClinGen allele CA10583904.

ClinVar aggregate classification (germline): Uncertain significance. Review status: criteria provided, multiple submitters, no conflicts (2 of 4 stars). 2 submissions from 2 submitters: Uncertain significance (2). Last evaluated 2025-12-22.

Conditions:
Hereditary cancer-predisposing syndrome. Also called: Tumor predisposition; Neoplastic Syndromes, Hereditary; Hereditary Cancer Syndrome; Hereditary neoplastic syndrome. Identifiers: Orphanet 140162, MedGen C0027672, MeSH D009386, MONDO:0015356.
Familial cancer of breast. Also called: Hereditary breast cancer; BREAST CANCER, FAMILIAL; hereditary breast carcinoma. Identifiers: Orphanet 227535, MedGen C0346153, MONDO:0016419, OMIM 114480. Disease mechanism: loss of function.

Allele frequency attached by ClinVar (database versions not stated): gnomAD exomes below 0.00001; TOPMed below 0.00001; gnomAD 0.00001.
gnomAD v4.1: 2 of 1,613,468 alleles (0.00012%); highest among the groups gnomAD compares: African/African-American, 0.0027%; no homozygotes.

Submissions (2):

Labcorp Genetics (formerly Invitae), Labcorp
Classification: Uncertain significance for Familial cancer of breast. Last evaluated: 2025-12-22. Review status: criteria provided, single submitter. Criteria: Invitae Variant Classification Sherloc (09022015). Collection method: clinical testing. Allele origin: germline.
Comment: This sequence change replaces leucine, which is neutral and non-polar, with serine, which is neutral and polar, at codon 348 of the CHEK2 protein (p.Leu348Ser). This variant is present in population databases (no rsID available, gnomAD 0.007%). This variant has not been reported in the literature in individuals affected with CHEK2-related conditions. ClinVar contains an entry for this variant (Variation ID: 240726). An algorithm developed to predict the effect of missense changes on protein structure and function (PolyPhen-2) suggests that this variant is likely to be disruptive. In summary, the available evidence is currently insufficient to determine the role of this variant in disease. Therefore, it has been classified as a Variant of Uncertain Significance.

Ambry Genetics
Classification: Uncertain significance for Hereditary cancer-predisposing syndrome. Last evaluated: 2024-06-19. Review status: criteria provided, single submitter. Criteria: Ambry Variant Classification Scheme 2023. Collection method: clinical testing. Allele origin: germline.
Comment: The p.L348S variant (also known as c.1043T>C), located in coding exon 9 of the CHEK2 gene, results from a T to C substitution at nucleotide position 1043. The leucine at codon 348 is replaced by serine, an amino acid with dissimilar properties. This amino acid position is highly conserved in available vertebrate species. In addition, this alteration is predicted to be deleterious by in silico analysis. Based on the available evidence, the clinical significance of this variant remains unclear.